The following is an entry in ClinVar:

ClinVar aggregate classification (germline): Uncertain significance (1 of 4 stars; one submission).

Submission:

GeneDx
Classification: Uncertain significance. Last evaluated: 2025-07-02. Review status: criteria provided, single submitter. Criteria: GeneDx Variant Classification Process June 2021. Collection method: clinical testing. Allele origin: germline. Affected: yes.
Comment: Not observed at significant frequency in large population cohorts (gnomAD); In silico analysis supports that this missense variant has a deleterious effect on protein structure/function; Has not been previously published as pathogenic or benign to our knowledge

NM_006035.4(CDC42BPB):c.464A>G (p.Tyr155Cys)

Gene: CDC42BPB (CDC42 binding protein kinase beta; minus strand). Cytogenetic location: 14q32.32.
Variant type: single nucleotide variant.
Coding change: c.464A>G on transcript NM_006035.4 (MANE Select); coding-DNA position 464, A replaced by G.
Protein change: p.Tyr155Cys; replaces tyrosine 155 with cysteine.
Molecular consequence: missense variant.
Genome position (GRCh38, 1-based): chr14:102,999,697, T>C on the plus strand (A>G on the coding strand, the complement: CDC42BPB is on the minus strand). VCF-style: chr14-102999697-T-C. GRCh37 (hg19) VCF-style: chr14-103466034-T-C.
Other names: c.464A>G, p.Tyr155Cys (NM_001411054.1); short protein forms Y155C.
Identifiers: ClinVar variation 4681147 (VCV004681147.1).